The following is an entry in ClinVar:

ClinVar aggregate classification (germline): Uncertain significance (1 of 4 stars; one submission).

Conditions:
Atrioventricular septal defect, susceptibility to, 2. Identifiers: MedGen C1853508, MONDO:0011650, OMIM 606217.

Submission:

Labcorp Genetics (formerly Invitae), Labcorp
Classification: Uncertain significance for Atrioventricular septal defect, susceptibility to, 2. Last evaluated: 2023-09-12. Review status: criteria provided, single submitter. Criteria: Invitae Variant Classification Sherloc (09022015). Collection method: clinical testing. Allele origin: germline.
Comment: This sequence change results in a frameshift in the CRELD1 gene (p.Pro389Glnfs*60). While this is not anticipated to result in nonsense mediated decay, it is expected to disrupt the last 34 amino acid(s) of the CRELD1 protein and extend the protein by 25 additional amino acid residues. This variant is not present in population databases (gnomAD no frequency). This variant has not been reported in the literature in individuals affected with CRELD1-related conditions. In summary, the available evidence is currently insufficient to determine the role of this variant in disease. Therefore, it has been classified as a Variant of Uncertain Significance.

NM_001077415.3(CRELD1):c.1049-346del

Gene: CRELD1 (CRELD disulfide isomerase 1; plus strand). Cytogenetic location: 3p25.3.
Variant type: Deletion.
Coding change: c.1049-346del on transcript NM_001077415.3 (MANE Select); 346 bases into the intron before coding-DNA position 1049, one base deleted (C; older notation c.1049-346delC).
Molecular consequence: intron variant. On other transcripts: frameshift variant (3), 3 prime UTR variant (1).
Genome position (GRCh38, 1-based): chr3:9,944,019, C deleted; the last of 3 consecutive C bases (chr3:9,944,017-9,944,019); deleting any one gives the same sequence. VCF-style (leftmost placement, unchanged base first): chr3-9944016-TC-T. GRCh37 (hg19) VCF-style: chr3-9985700-TC-T.
Other names: c.1166del, p.Pro389fs (NM_001031717.4); c.1178del, p.Pro393fs (NM_001374317.1, NM_001374318.1); c.*268del (NM_001410713.1); c.965-346del (NM_001374319.1, NM_001374320.1); c.1049-346del (NM_001374316.1, NM_015513.6); short protein forms P393fs, P389fs.
Identifiers: ClinVar variation 3012037 (VCV003012037.3), dbSNP rs2470522944, ClinGen allele CA2664369381.